The following is an entry in ClinVar:

NM_014249.4(NR2E3):c.1007T>C (p.Leu336Pro)

Gene: NR2E3 (nuclear receptor subfamily 2 group E member 3; plus strand). Cytogenetic location: 15q23.
Variant type: single nucleotide variant.
Coding change: c.1007T>C on transcript NM_014249.4 (MANE Select); coding-DNA position 1007, T replaced by C.
Protein change: p.Leu336Pro; replaces leucine 336 with proline.
Molecular consequence: missense variant.
Genome position (GRCh38, 1-based): chr15:71,814,024, T>C. VCF-style: chr15-71814024-T-C. GRCh37 (hg19) VCF-style: chr15-72106365-T-C.
Other names: c.1007T>C, p.Leu336Pro (NM_016346.4); c.1007T>C (NM_014249.2); short protein forms L336P.
Identifiers: ClinVar variation 440010 (VCV000440010.13), dbSNP rs752883545, ClinGen allele CA7640477.
Genomic context (GRCh38, chr15:71,814,024, plus strand): 5'-TAACAGCCGTAAACCTGTGCTAAGCTCACTGGTGCTGCTTCTCCCCAGAGACGCGGGGCC[T>C]GAAGGATCCTGAGCACGTAGAGGCCTTGCAGGACCAGTCCCAAGTGATGCTGAGCCAGCA-3'
Protein context (NP_055064.1, residues 326-346): LVLFKPETRG[Leu336Pro]KDPEHVEALQ

ClinVar aggregate classification (germline): Conflicting classifications of pathogenicity. Review status: criteria provided, conflicting classifications (1 of 4 stars). 5 submissions from 5 submitters: Likely pathogenic (4); Uncertain significance (1). Last evaluated 2025-11-06.

Conditions:
ENHANCED S-CONE SYNDROME 1 (ESCS1). Also called: RETINOSCHISIS WITH EARLY HEMERALOPIA; FAVRE HYALOIDEORETINAL DEGENERATION. Identifiers: MedGen CN380299, OMIM 268100.
Enhanced S-cone syndrome (ESCS). Identifiers: Orphanet 53540, MedGen C1849394, MONDO:0100288, MONDO:0009989.

Allele frequency attached by ClinVar (database versions not stated): ExAC 0.00001; gnomAD 0.00001; gnomAD exomes 0.00001; TOPMed 0.00001.
gnomAD v4.1: 5 of 1,611,956 alleles (0.00031%); highest among the groups gnomAD compares: Non-Finnish European, 0.00042%; no homozygotes.

Submissions (5):

Myriad Genetics, Inc.
Classification: Likely pathogenic for ENHANCED S-CONE SYNDROME 1. Last evaluated: 2025-11-06. Review status: criteria provided, single submitter. Criteria: Myriad Autosomal Dominant, Autosomal Recessive and X-Linked Classification Criteria (2023). Collection method: clinical testing. Allele origin: unknown.
Comment: NM_014249.2(NR2E3):c.1007T>C(L336P) is a missense variant classified as likely pathogenic in the context of enhanced S-cone syndrome. L336P has been observed in a case with relevant disease (PMID: 15459973). Relevant functional assessments of this variant are available in the literature (PMID: 19898638, 25703721). L336P has been observed in referenced population frequency databases. In summary, NM_014249.2(NR2E3):c.1007T>C(L336P) is a missense variant that has functional support for pathogenicity and has been observed more frequently in cases with the relevant disease than in healthy populations. Please note: this variant was assessed in the context of healthy population screening.

GeneDx
Classification: Likely pathogenic. Last evaluated: 2023-01-30. Review status: criteria provided, single submitter. Criteria: GeneDx Variant Classification Process June 2021. Collection method: clinical testing. Allele origin: germline. Affected: yes.
Comment: Published functional studies suggest a damaging effect with impaired transcriptional regulatory activity and reduced DNA binding (Kanda and Swaroop, 2009; Fulton et al., 2017); In silico analysis supports that this missense variant has a deleterious effect on protein structure/function; This variant is associated with the following publications: (PMID: 25703721, 24069298, 28300834, 19898638, 15459973, 19718767)

Baylor Genetics
Classification: Likely pathogenic for ENHANCED S-CONE SYNDROME 1. Last evaluated: 2022-12-03. Review status: criteria provided, single submitter. Criteria: ACMG Guidelines, 2015. Collection method: clinical testing. Allele origin: unknown.

Labcorp Genetics (formerly Invitae), Labcorp
Classification: Uncertain significance. Last evaluated: 2022-05-10. Review status: criteria provided, single submitter. Criteria: Invitae Variant Classification Sherloc (09022015). Collection method: clinical testing. Allele origin: germline.
Comment: This sequence change replaces leucine, which is neutral and non-polar, with proline, which is neutral and non-polar, at codon 336 of the NR2E3 protein (p.Leu336Pro). The frequency data for this variant in the population databases is considered unreliable, as metrics indicate poor data quality at this position in the gnomAD database. This missense change has been observed in individual(s) with autosomal recessive enhanced S-cone syndrome (PMID: 15459973). ClinVar contains an entry for this variant (Variation ID: 440010). Algorithms developed to predict the effect of variants on protein structure and function are not available or were not evaluated for this variant. Experimental studies have shown that this missense change affects NR2E3 function (PMID: 19898638, 25703721, 28300834). In summary, the available evidence is currently insufficient to determine the role of this variant in disease. Therefore, it has been classified as a Variant of Uncertain Significance.

ARUP Laboratories, Molecular Genetics and Genomics, ARUP Laboratories
Classification: Likely pathogenic. Last evaluated: 2017-05-05. Review status: criteria provided, single submitter. Criteria: ARUP Molecular Germline Variant Investigation Process. Collection method: clinical testing. Allele origin: germline.
Comment: The NR2E3 c.1007T>C;p.Leu336Pro variant has been described in the medical literature in an individual with enhanced S cone syndrome who also carried a pathogenic NR2E3 variant (Wright 2004). The variant is not listed in the ClinVar database, but is listed in the dbSNP variant database (rs752883545) with an allele frequency of 0.000101 percent (1/99026 alleles) in the Exome Aggregation Consortium. The leucine at codon is highly conserved across species, computational algorithms (Align GVGD, PolyPhen2, SIFT) predict this variant is deleterious, and some functional studies have shown this variant has impaired function (von Alpen 2015). Taken together, this variant is considered likely pathogenic. Pathogenic NR2E3 variants are causative for autosomal recessive retinitis pigmentosa or enhanced S cone syndrome or autosomal dominant retinitis pigmentosa (OMIM#604485). References: von Alpen D et al. Differential dimerization of variants linked to enhanced S-cone sensitivity syndrome (ESCS) located in the NR2E3 ligand-binding domain. Hum Mutat. 2015 Jun;36(6):599-610. Wright AF et al. Mutation analysis of NR2E3 and NRL genes in Enhanced S Cone Syndrome. Hum Mutat. 2004 Nov;24(5):439.

Literature cited by the submitters: PubMed 15459973 (cited by Myriad Genetics, Inc. and Labcorp Genetics (formerly Invitae), Labcorp); PubMed 19898638 (cited by Myriad Genetics, Inc. and Labcorp Genetics (formerly Invitae), Labcorp); PubMed 25703721 (cited by Myriad Genetics, Inc. and Labcorp Genetics (formerly Invitae), Labcorp); PubMed 28300834 (cited by Labcorp Genetics (formerly Invitae), Labcorp).